The following is an entry in ClinVar:

ClinVar aggregate classification (germline): Uncertain significance (1 of 4 stars; one submission).

Conditions:
SEMA3F-related disorder. Also called: SEMA3F-related condition.

Submission:

PreventionGenetics, part of Exact Sciences
Classification: Uncertain significance for SEMA3F-related condition. Last evaluated: 2025-01-31. Review status: criteria provided, single submitter. Criteria: ACMG Guidelines, 2015. Collection method: clinical testing. Allele origin: germline.
Comment: The SEMA3F c.883C>T variant is predicted to result in the amino acid substitution p.Arg295Cys. To our knowledge, this variant has not been reported in the literature. This variant is reported in 0.011% of alleles in individuals of African descent in gnomAD. At this time, the clinical significance of this variant is uncertain due to the absence of conclusive functional and genetic evidence.

NM_004186.5(SEMA3F):c.883C>T (p.Arg295Cys)

Gene: SEMA3F (semaphorin 3F; plus strand). Cytogenetic location: 3p21.31.
Variant type: single nucleotide variant.
Coding change: c.883C>T on transcript NM_004186.5 (MANE Select); coding-DNA position 883, C replaced by T.
Protein change: p.Arg295Cys; replaces arginine 295 with cysteine.
Molecular consequence: missense variant.
Genome position (GRCh38, 1-based): chr3:50,182,763, C>T. VCF-style: chr3-50182763-C-T. GRCh37 (hg19) VCF-style: chr3-50220196-C-T.
Other names: c.586C>T, p.Arg196Cys (NM_001318798.2); c.790C>T, p.Arg264Cys (NM_001318800.2); short protein forms R196C, R264C, R295C.
Identifiers: ClinVar variation 4984907 (VCV004984907.1).